The following is an entry in ClinVar:

ClinVar aggregate classification (germline): Uncertain significance (1 of 4 stars; one submission).

Conditions:
Hypertrophic cardiomyopathy. Also called: HYPERTROPHIC MYOCARDIOPATHY. Identifiers: Orphanet 217569, MedGen C0007194, MeSH D002312, MONDO:0005045, HP:0001639.

Allele frequency attached by ClinVar (database versions not stated): gnomAD exomes below 0.00001.
gnomAD v4.1: 1 of 1,613,982 alleles (0.000062%); highest among the groups gnomAD compares: Admixed American, 0.0017%; no homozygotes.

Submission:

Labcorp Genetics (formerly Invitae), Labcorp
Classification: Uncertain significance for Hypertrophic cardiomyopathy. Last evaluated: 2023-04-15. Review status: criteria provided, single submitter. Criteria: Invitae Variant Classification Sherloc (09022015). Collection method: clinical testing. Allele origin: germline.
Comment: This variant has not been reported in the literature in individuals affected with MYBPC3-related conditions. In summary, the available evidence is currently insufficient to determine the role of this variant in disease. Therefore, it has been classified as a Variant of Uncertain Significance. An algorithm developed to predict the effect of missense changes on protein structure and function (PolyPhen-2) suggests that this variant is likely to be tolerated. This variant is present in population databases (no rsID available, gnomAD 0.003%). This sequence change replaces asparagine, which is neutral and polar, with tyrosine, which is neutral and polar, at codon 691 of the MYBPC3 protein (p.Asn691Tyr).

NM_000256.3(MYBPC3):c.2071A>T (p.Asn691Tyr)

Gene: MYBPC3 (myosin binding protein C3; minus strand). Cytogenetic location: 11p11.2.
Variant type: single nucleotide variant.
Coding change: c.2071A>T on transcript NM_000256.3 (MANE Select); coding-DNA position 2071, A replaced by T.
Protein change: p.Asn691Tyr; replaces asparagine 691 with tyrosine.
Molecular consequence: missense variant.
Genome position (GRCh38, 1-based): chr11:47,339,401, T>A on the plus strand (A>T on the coding strand, the complement: MYBPC3 is on the minus strand). VCF-style: chr11-47339401-T-A. GRCh37 (hg19) VCF-style: chr11-47360952-T-A.
Other names: short protein forms N691Y.
Identifiers: ClinVar variation 2913902 (VCV002913902.3), dbSNP rs1289328545, ClinGen allele CA380321201.
Genomic context (GRCh38, chr11:47,339,401, plus strand): 5'-ACTCATCGCTGTCACCTGTGTCCTCTGGGGCATCTGGGGCTGGCCTGGCTGGGGCCTTAT[T>A]CCCCTGGGAACAGGGCAGGAGGGAAGTAGGGAGCAGAGGAGCTGACTCAGCCTGGAAGCG-3'
Protein context (NP_000247.2, residues 681-701): VIWQKAITQG[Asn691Tyr]KAPARPAPDA